The following is an entry in ClinVar:

NM_000451.4(SHOX):c.739G>C (p.Gly247Arg)

Gene: SHOX (SHOX homeobox; plus strand). Cytogenetic location: Yp11.2.
Variant type: single nucleotide variant.
Coding change: c.739G>C on transcript NM_000451.4 (MANE Select); coding-DNA position 739, G replaced by C.
Protein change: p.Gly247Arg; replaces glycine 247 with arginine.
Molecular consequence: missense variant. On other transcripts: intron variant (1).
Genome position (GRCh38, 1-based): chrX:644,496, G>C. VCF-style: chrX-644496-G-C. GRCh37 (hg19) VCF-style: chrX-605231-G-C.
Other names: c.633+3409G>C (NM_006883.2); short protein forms G247R.
Identifiers: ClinVar variation 4537239 (VCV004537239.1).

ClinVar aggregate classification (germline): Uncertain significance (1 of 4 stars; one submission).

gnomAD v4.1: 1 of 1,522,612 alleles (0.000066%); highest among the groups gnomAD compares: Non-Finnish European, 0.000088%; no homozygotes.

Submission:

Women's Health and Genetics/Laboratory Corporation of America, LabCorp
Classification: Uncertain significance. Last evaluated: 2025-11-24. Review status: criteria provided, single submitter. Criteria: LabCorp Variant Classification Summary - May 2015. Collection method: clinical testing. Allele origin: germline.
Comment: Variant summary: SHOX c.739G>C (p.Gly247Arg) results in a non-conservative amino acid change in the encoded protein sequence. Algorithms developed to predict the effect of missense changes on protein structure and function are either unavailable or do not agree on the potential impact of this missense change. The frequency data for this variant in gnomAD is considered unreliable, as metrics indicate poor data quality at this position. To our knowledge, no occurrence of c.739G>C in individuals affected with SHOX-related conditions and no experimental evidence demonstrating its impact on protein function have been reported. No submitters have cited clinical-significance assessments for this variant to ClinVar. Based on the evidence outlined above, the variant was classified as uncertain significance.